The following is an entry in ClinVar:

ClinVar aggregate classification (germline): Likely benign. Review status: criteria provided, multiple submitters, no conflicts (2 of 4 stars). 3 submissions from 3 submitters: Likely benign (2). 1 of the submissions does not count toward it. Last evaluated 2026-01-11.

Conditions:
MYH6-related disorder. Also called: MYH6-related condition; MYH6-Related Disorders.
Hypertrophic cardiomyopathy 14. Identifiers: MedGen C2750467, MONDO:0013197, OMIM 613251.
Atrial septal defect 3 (ASD3). Identifiers: Orphanet 1478, MedGen C3279790, MONDO:0013567, OMIM 614089.
Dilated cardiomyopathy 1EE (CMD1EE). Identifiers: Orphanet 154, MedGen C2750466, MONDO:0013198, OMIM 613252.
Hypertrophic cardiomyopathy 1 (CMH1). Also called: Familial hypertrophic cardiomyopathy 1; MYH7-Related Familial Hypertrophic Cardiomyopathy. Identifiers: MedGen C3495498, MONDO:0008647, OMIM 192600.
Sick sinus syndrome 3, susceptibility to (SSS3). Identifiers: Orphanet 166282, MedGen C3279791, MONDO:0013568, OMIM 614090.

Allele frequency attached by ClinVar (database versions not stated): gnomAD 0.00005; TOPMed 0.00011; 1000 Genomes Project 30x 0.00016; 1000 Genomes Project 0.00020.
gnomAD v4.1: 62 of 1,608,676 alleles (0.0039%); highest among the groups gnomAD compares: Admixed American, 0.045%; no homozygotes.

Submissions (3):

Labcorp Genetics (formerly Invitae), Labcorp
Classification: Likely benign for Hypertrophic cardiomyopathy 14. Last evaluated: 2026-01-11. Review status: criteria provided, single submitter. Criteria: Invitae Variant Classification Sherloc (09022015). Collection method: clinical testing. Allele origin: germline.

Fulgent Genetics
Classification: Likely benign for Hypertrophic cardiomyopathy 1; Hypertrophic cardiomyopathy 14; Dilated cardiomyopathy 1EE; Atrial septal defect 3; Sick sinus syndrome 3, susceptibility to. Last evaluated: 2021-07-23. Review status: criteria provided, single submitter. Criteria: ACMG Guidelines, 2015. Collection method: clinical testing. Allele origin: unknown.

PreventionGenetics, part of Exact Sciences
Classification: Likely benign for MYH6-related condition. Last evaluated: 2023-06-14. Review status: no assertion criteria provided. Collection method: clinical testing. Allele origin: germline. Not counted in ClinVar's aggregate classification.
Comment: This variant is classified as likely benign based on ACMG/AMP sequence variant interpretation guidelines (Richards et al. 2015 PMID: 25741868, with internal and published modifications).

NM_002471.4(MYH6):c.5661+9A>G

Gene: MYH6 (myosin heavy chain 6; minus strand). Cytogenetic location: 14q11.2.
Variant type: single nucleotide variant.
Coding change: c.5661+9A>G on transcript NM_002471.4 (MANE Select); 9 bases into the intron after coding-DNA position 5661, A replaced by G.
Molecular consequence: intron variant.
Genome position (GRCh38, 1-based): chr14:23,383,216, T>C on the plus strand (A>G on the coding strand, the complement: MYH6 is on the minus strand). VCF-style: chr14-23383216-T-C. GRCh37 (hg19) VCF-style: chr14-23852425-T-C.
Identifiers: ClinVar variation 414327 (VCV000414327.15), dbSNP rs373908250, ClinGen allele CA7114318.
Genomic context (GRCh38, chr14:23,383,216, plus strand): 5'-GGAGATATTCATTGGTTCTCACAAATAGTAGGTGTGTTGATGAGAAAGGGAAGAAAGCTC[T>C]GAACTCACCGCCTCCTCGGCCTGGCGCTTGTAGGCCTTGACCTTCAGTTGCAGCTTGTCC-3'